The following is an entry in ClinVar:

ClinVar aggregate classification (germline): Uncertain significance (1 of 4 stars; one submission).

Conditions:
Hereditary cancer-predisposing syndrome. Also called: Neoplastic Syndromes, Hereditary; Tumor predisposition; Hereditary Cancer Syndrome; Hereditary neoplastic syndrome. Identifiers: Orphanet 140162, MedGen C0027672, MeSH D009386, MONDO:0015356.

gnomAD v4.1: 1 of 1,614,004 alleles (0.000062%); highest among the groups gnomAD compares: Admixed American, 0.0017%; no homozygotes.

Submission:

Ambry Genetics
Classification: Uncertain significance for Hereditary cancer-predisposing syndrome. Last evaluated: 2021-08-11. Review status: criteria provided, single submitter. Criteria: Ambry Variant Classification Scheme 2023. Collection method: clinical testing. Allele origin: germline.
Comment: The p.P126T variant (also known as c.376C>A), located in coding exon 2 of the BLM gene, results from a C to A substitution at nucleotide position 376. The proline at codon 126 is replaced by threonine, an amino acid with highly similar properties. This amino acid position is conserved. In addition, this alteration is predicted to be tolerated by in silico analysis. Since supporting evidence is limited at this time, the clinical significance of this alteration remains unclear.

NM_000057.4(BLM):c.376C>A (p.Pro126Thr)

Gene: BLM (BLM RecQ like helicase; plus strand). Cytogenetic location: 15q26.1.
Variant type: single nucleotide variant.
Coding change: c.376C>A on transcript NM_000057.4 (MANE Select); coding-DNA position 376, C replaced by A.
Protein change: p.Pro126Thr; replaces proline 126 with threonine.
Molecular consequence: missense variant. On other transcripts: 5 prime UTR variant (1).
Genome position (GRCh38, 1-based): chr15:90,749,644, C>A. VCF-style: chr15-90749644-C-A. GRCh37 (hg19) VCF-style: chr15-91292874-C-A.
Other names: c.376C>A, p.Pro126Thr (NM_001287246.2, NM_001287247.2); c.-916C>A (NM_001287248.2); short protein forms P126T.
Identifiers: ClinVar variation 1734743 (VCV001734743.2), dbSNP rs587778106, ClinGen allele CA393840418.